The following is an entry in ClinVar:

ClinVar aggregate classification (germline): Benign/Likely benign. Review status: criteria provided, multiple submitters, no conflicts (2 of 4 stars). 2 submissions from 2 submitters: Benign (1); Likely benign (1). Last evaluated 2026-08-05.

Conditions:
Hereditary pheochromocytoma and paraganglioma. Also called: Hereditary pheochromocytoma-paraganglioma; Hereditary paragangliomas and pheochromocytomas; Hereditary Paraganglioma-Pheochromocytoma Syndromes. Identifiers: Orphanet 29072, MedGen C4274332, MONDO:0017366.
Pheochromocytoma/paraganglioma syndrome 2. Also called: SDHAF2-Related Hereditary Paraganglioma-Pheochromocytoma Syndrome (Paragangliomas 2); SDHAF2-Related Hereditary Paraganglioma-Pheochromocytoma Syndrome; GLOMUS TUMORS, FAMILIAL, 2; Paragangliomas 2. Identifiers: Orphanet 29072, MedGen C1866552, MONDO:0011121, OMIM 601650.

Allele frequency attached by ClinVar (database versions not stated): ExAC 0.00001; gnomAD exomes below 0.00001.
gnomAD v4.1: 1 of 1,613,982 alleles (0.000062%); highest among the groups gnomAD compares: South Asian, 0.0011%; no homozygotes.

Submissions (2):

Myriad Genetics, Inc.
Classification: Benign for Pheochromocytoma/paraganglioma syndrome 2. Last evaluated: 2026-08-05. Review status: criteria provided, single submitter. Criteria: Myriad Autosomal Dominant, Autosomal Recessive and X-Linked Classification Criteria (2023). Collection method: clinical testing. Allele origin: unknown.
Comment: This variant is considered benign. This variant is a silent/synonymous amino acid change and it is not expected to impact splicing.

Labcorp Genetics (formerly Invitae), Labcorp
Classification: Likely benign for Hereditary pheochromocytoma and paraganglioma. Last evaluated: 2020-02-21. Review status: criteria provided, single submitter. Criteria: Invitae Variant Classification Sherloc (09022015). Collection method: clinical testing. Allele origin: germline.

NM_017841.4(SDHAF2):c.288C>T (p.His96=)

Gene: SDHAF2 (succinate dehydrogenase complex assembly factor 2; plus strand). Cytogenetic location: 11q12.2.
Variant type: single nucleotide variant.
Coding change: c.288C>T on transcript NM_017841.4 (MANE Select); coding-DNA position 288, C replaced by T.
Protein change: p.His96=; no amino-acid change (histidine 96 retained).
Molecular consequence: synonymous variant.
Genome position (GRCh38, 1-based): chr11:61,438,031, C>T. VCF-style: chr11-61438031-C-T. GRCh37 (hg19) VCF-style: chr11-61205503-C-T.
Identifiers: ClinVar variation 796223 (VCV000796223.10), dbSNP rs764919936, ClinGen allele CA058362.
Genomic context (GRCh38, chr11:61,438,031, plus strand): 5'-ACCTCTTTTTCTTTTTTTCTTTCTTGTTTTTAGTCTTTTTGCTAAAGAACATCTGCAGCA[C>T]ATGACAGAAAAGCAGCTGAACCTCTATGACCGCCTGATTAACGAGCCTAGTAATGACTGG-3'
Protein context (NP_060311.1, residues 86-106): LSLFAKEHLQ[His96=]MTEKQLNLYD